The following is an entry in ClinVar:

ClinVar aggregate classification (germline): Likely benign (1 of 4 stars; one submission).

Conditions:
GM3 synthase deficiency (SPDRS). Also called: SALT AND PEPPER DEVELOPMENTAL REGRESSION SYNDROME; AMISH INFANTILE EPILEPSY SYNDROME; SALT AND PEPPER MENTAL RETARDATION SYNDROME. Identifiers: Orphanet 171714, Orphanet 370933, MedGen C1836824, MONDO:0018274, OMIM 609056.

Allele frequency attached by ClinVar (database versions not stated): gnomAD exomes 0.00004; gnomAD 0.00007 and 0.00012; TOPMed 0.00021; 1000 Genomes Project 0.00060; 1000 Genomes Project 30x 0.00062.

Submission:

Illumina Laboratory Services, Illumina
Classification: Likely benign for GM3 synthase deficiency. Last evaluated: 2018-01-13. Review status: criteria provided, single submitter. Criteria: ICSL Variant Classification Criteria 13 December 2019. Collection method: clinical testing. Allele origin: germline.
Comment: This variant was observed in the ICSL laboratory as part of a predisposition screen in an ostensibly healthy population. It had not been previously curated by ICSL or reported in the Human Gene Mutation Database (HGMD: prior to June 1st, 2018), and was therefore a candidate for classification through an automated scoring system. Utilizing variant allele frequency, disease prevalence and penetrance estimates, and inheritance mode, an automated score was calculated to assess if this variant is too frequent to cause the disease. Based on the score and internal cut-off values, a variant classified as likely benign is not then subjected to further curation. The score for this variant resulted in a classification of likely benign for this disease.

NM_003896.4(ST3GAL5):c.*115C>T

Gene: ST3GAL5 (ST3 beta-galactoside alpha-2,3-sialyltransferase 5; minus strand). Cytogenetic location: 2p11.2.
Variant type: single nucleotide variant.
Coding change: c.*115C>T on transcript NM_003896.4 (MANE Select); 115 bases downstream of the stop codon, C replaced by T.
Molecular consequence: 3 prime UTR variant.
Genome position (GRCh38, 1-based): chr2:85,840,029, G>A on the plus strand (C>T on the coding strand, the complement: ST3GAL5 is on the minus strand). VCF-style: chr2-85840029-G-A. GRCh37 (hg19) VCF-style: chr2-86067152-G-A.
Other names: c.*115C>T (NM_001042437.2, NM_001354223.2, NM_001354224.2 and 9 more transcripts).
Identifiers: ClinVar variation 337332 (VCV000337332.5), dbSNP rs193077813, ClinGen allele CA10614081.